The following is an entry in ClinVar:

ClinVar aggregate classification (germline): Uncertain significance (1 of 4 stars; one submission).

Conditions:
Familial adenomatous polyposis 1 (FAP1). Also called: POLYPOSIS, ADENOMATOUS INTESTINAL; FAMILIAL ADENOMATOUS POLYPOSIS 1, ATTENUATED. Identifiers: MedGen C2713442, MONDO:0021056, OMIM 175100. Disease mechanism: loss of function.

Submission:

Labcorp Genetics (formerly Invitae), Labcorp
Classification: Uncertain significance for Familial adenomatous polyposis 1. Last evaluated: 2019-06-26. Review status: criteria provided, single submitter. Criteria: Invitae Variant Classification Sherloc (09022015). Collection method: clinical testing. Allele origin: germline.
Comment: This sequence change replaces threonine with isoleucine at codon 2629 of the APC protein (p.Thr2629Ile). The threonine residue is moderately conserved and there is a moderate physicochemical difference between threonine and isoleucine. In summary, the available evidence is currently insufficient to determine the role of this variant in disease. Therefore, it has been classified as a Variant of Uncertain Significance. Algorithms developed to predict the effect of missense changes on protein structure and function output the following: SIFT: "Tolerated"; PolyPhen-2: "Benign"; Align-GVGD: "Class C0". The isoleucine amino acid residue is found in multiple mammalian species, suggesting that this missense change does not adversely affect protein function. These predictions have not been confirmed by published functional studies and their clinical significance is uncertain. This variant has not been reported in the literature in individuals with APC-related conditions. This variant is not present in population databases (ExAC no frequency).

NM_000038.6(APC):c.7886C>T (p.Thr2629Ile)

Gene: APC (APC regulator of Wnt signaling pathway; plus strand). Cytogenetic location: 5q22.2.
Variant type: single nucleotide variant.
Coding change: c.7886C>T on transcript NM_000038.6 (MANE Select); coding-DNA position 7886, C replaced by T.
Protein change: p.Thr2629Ile; replaces threonine 2629 with isoleucine.
Molecular consequence: missense variant.
Genome position (GRCh38, 1-based): chr5:112,843,480, C>T. VCF-style: chr5-112843480-C-T. GRCh37 (hg19) VCF-style: chr5-112179177-C-T.
Other names: c.7886C>T, p.Thr2629Ile (NM_001127510.3, NM_001354895.2); c.7832C>T, p.Thr2611Ile (NM_001127511.3); c.7940C>T, p.Thr2647Ile (NM_001354896.2); c.7916C>T, p.Thr2639Ile (NM_001354897.2); c.7811C>T, p.Thr2604Ile (NM_001354898.2); c.7802C>T, p.Thr2601Ile (NM_001354899.2); c.7763C>T, p.Thr2588Ile (NM_001354900.2); c.7709C>T, p.Thr2570Ile (NM_001354901.2); and 5 more; short protein forms T2469I, T2604I, T2503I, T2611I, T2528I, T2538I, T2570I, T2588I.
Identifiers: ClinVar variation 945974 (VCV000945974.11), dbSNP rs1766590499, ClinGen allele CA16038467.